The following is an entry in ClinVar:

NM_032229.3(SLITRK6):c.727G>C (p.Gly243Arg)

Gene: SLITRK6 (SLIT and NTRK like family member 6; minus strand). Cytogenetic location: 13q31.1.
Variant type: single nucleotide variant.
Coding change: c.727G>C on transcript NM_032229.3 (MANE Select); coding-DNA position 727, G replaced by C.
Protein change: p.Gly243Arg; replaces glycine 243 with arginine.
Molecular consequence: missense variant.
Genome position (GRCh38, 1-based): chr13:85,795,782, C>G on the plus strand (G>C on the coding strand, the complement: SLITRK6 is on the minus strand). VCF-style: chr13-85795782-C-G. GRCh37 (hg19) VCF-style: chr13-86369917-C-G.
Other names: short protein forms G243R.
Identifiers: ClinVar variation 4765978 (VCV004765978.1).

ClinVar aggregate classification (germline): Uncertain significance (1 of 4 stars; one submission).

Submission:

Labcorp Genetics (formerly Invitae), Labcorp
Classification: Uncertain significance. Last evaluated: 2025-02-13. Review status: criteria provided, single submitter. Criteria: Invitae Variant Classification Sherloc (09022015). Collection method: clinical testing. Allele origin: germline.
Comment: This sequence change replaces glycine, which is neutral and non-polar, with arginine, which is basic and polar, at codon 243 of the SLITRK6 protein (p.Gly243Arg). This variant is not present in population databases (gnomAD no frequency). This variant has not been reported in the literature in individuals affected with SLITRK6-related conditions. An algorithm developed to predict the effect of missense changes on protein structure and function (PolyPhen-2) suggests that this variant is likely to be disruptive. In summary, the available evidence is currently insufficient to determine the role of this variant in disease. Therefore, it has been classified as a Variant of Uncertain Significance.